The following is an entry in ClinVar:

ClinVar aggregate classification (germline): Uncertain significance (1 of 4 stars; one submission).

Conditions:
BBS12-related disorder. Also called: BBS12-related condition.

gnomAD v4.1: 9 of 1,613,876 alleles (0.00056%); highest among the groups gnomAD compares: Non-Finnish European, 0.00059%; no homozygotes.

Submission:

PreventionGenetics, part of Exact Sciences
Classification: Uncertain significance for BBS12-related condition. Last evaluated: 2026-02-03. Review status: criteria provided, single submitter. Criteria: ACMG Guidelines, 2015. Collection method: clinical testing. Allele origin: germline.
Comment: The BBS12 c.131G>A variant is predicted to result in the amino acid substitution p.Cys44Tyr. To our knowledge, this variant has not been reported in the literature or in a large population database (gnomAD), indicating this variant is rare. At this time, the clinical significance of this variant is uncertain due to the absence of conclusive functional and genetic evidence.

NM_152618.3(BBS12):c.131G>A (p.Cys44Tyr)

Gene: BBS12 (Bardet-Biedl syndrome 12; plus strand). Cytogenetic location: 4q27.
Variant type: single nucleotide variant.
Coding change: c.131G>A on transcript NM_152618.3 (MANE Select); coding-DNA position 131, G replaced by A.
Protein change: p.Cys44Tyr; replaces cysteine 44 with tyrosine.
Molecular consequence: missense variant.
Genome position (GRCh38, 1-based): chr4:122,742,023, G>A. VCF-style: chr4-122742023-G-A. GRCh37 (hg19) VCF-style: chr4-123663178-G-A.
Other names: c.131G>A, p.Cys44Tyr (NM_001178007.2); short protein forms C44Y.
Identifiers: ClinVar variation 4987236 (VCV004987236.1).